The following is an entry in ClinVar:

NM_001367624.2(ZNF469):c.8888T>G (p.Leu2963Arg)

Gene: ZNF469 (zinc finger protein 469; plus strand). Cytogenetic location: 16q24.2.
Variant type: single nucleotide variant.
Coding change: c.8888T>G on transcript NM_001367624.2 (MANE Select); coding-DNA position 8888, T replaced by G.
Protein change: p.Leu2963Arg; replaces leucine 2963 with arginine.
Molecular consequence: missense variant.
Genome position (GRCh38, 1-based): chr16:88,436,358, T>G. VCF-style: chr16-88436358-T-G. GRCh37 (hg19) VCF-style: chr16-88502766-T-G.
Other names: short protein forms L2963R.
Identifiers: ClinVar variation 1929104 (VCV001929104.4), dbSNP rs2507601291, ClinGen allele CA397119641.
Genomic context (GRCh38, chr16:88,436,358, plus strand): 5'-TCCTCAATAGCAGGGTGCCTGGCATTGACCCCTGGGCCCCCGGCCTCAGCCTGTGGGCCC[T>G]GGAGCCCAGCAGGGAAGCTGGTGCAGAGAAGCTGCCCTCCCACTGCCCCGAGGACGATCG-3'
Protein context (NP_001354553.1, residues 2953-2973): PWAPGLSLWA[Leu2963Arg]EPSREAGAEK

ClinVar aggregate classification (germline): Uncertain significance (1 of 4 stars; one submission).

Allele frequency attached by ClinVar (database versions not stated): gnomAD exomes 0.00001.

Submission:

Labcorp Genetics (formerly Invitae), Labcorp
Classification: Uncertain significance. Last evaluated: 2022-06-10. Review status: criteria provided, single submitter. Criteria: Invitae Variant Classification Sherloc (09022015). Collection method: clinical testing. Allele origin: germline.
Comment: In summary, the available evidence is currently insufficient to determine the role of this variant in disease. Therefore, it has been classified as a Variant of Uncertain Significance. Algorithms developed to predict the effect of missense changes on protein structure and function are either unavailable or do not agree on the potential impact of this missense change (SIFT: "Deleterious"; PolyPhen-2: "Probably Damaging"; Align-GVGD: "Class C0"). This variant has not been reported in the literature in individuals affected with ZNF469-related conditions. This variant is not present in population databases (gnomAD no frequency). This sequence change replaces leucine, which is neutral and non-polar, with arginine, which is basic and polar, at codon 2935 of the ZNF469 protein (p.Leu2935Arg).